The following is an entry in ClinVar:

NM_001297.5(CNGB1):c.*310T>C

Gene: CNGB1 (cyclic nucleotide gated channel subunit beta 1; minus strand). Cytogenetic location: 16q21.
Variant type: single nucleotide variant.
Coding change: c.*310T>C on transcript NM_001297.5 (MANE Select); 310 bases downstream of the stop codon, T replaced by C.
Molecular consequence: 3 prime UTR variant.
Genome position (GRCh38, 1-based): chr16:57,883,854, A>G on the plus strand (T>C on the coding strand, the complement: CNGB1 is on the minus strand). VCF-style: chr16-57883854-A-G. GRCh37 (hg19) VCF-style: chr16-57917758-A-G.
Other names: c.*310T>C (NM_001286130.2).
Identifiers: ClinVar variation 320046 (VCV000320046.6), dbSNP rs57309302, ClinGen allele CA10647872.

ClinVar aggregate classification (germline): Benign. Review status: criteria provided, multiple submitters, no conflicts (2 of 4 stars). 2 submissions from 2 submitters: Benign (2). Last evaluated 2018-01-12.

Conditions:
Retinitis pigmentosa (RP). Identifiers: Orphanet 791, MedGen C0035334, MeSH D012174, MONDO:0019200, OMIM 268000. Inheritance: Autosomal dominant, autosomal recessive and X linked inheritance.

Allele frequency attached by ClinVar (database versions not stated): gnomAD exomes 0.06853; 1000 Genomes Project 0.08946; 1000 Genomes Project 30x 0.09229; gnomAD 0.11113 and 0.11688; TOPMed 0.11858.

Submissions (2):

Illumina Laboratory Services, Illumina
Classification: Benign for Retinitis pigmentosa. Last evaluated: 2018-01-12. Review status: criteria provided, single submitter. Criteria: ICSL Variant Classification Criteria 13 December 2019. Collection method: clinical testing. Allele origin: germline.
Comment: This variant was observed in the ICSL laboratory as part of a predisposition screen in an ostensibly healthy population. It had not been previously curated by ICSL or reported in the Human Gene Mutation Database (HGMD: prior to June 1st, 2018), and was therefore a candidate for classification through an automated scoring system. Utilizing variant allele frequency, disease prevalence and penetrance estimates, and inheritance mode, an automated score was calculated to assess if this variant is too frequent to cause the disease. Based on the score and internal cut-off values, a variant classified as benign is not then subjected to further curation. The score for this variant resulted in a classification of benign for this disease.

Breakthrough Genomics
Classification: Benign. Review status: criteria provided, single submitter. Criteria: ACMG Guidelines, 2015. Collection method: not provided. Allele origin: germline. Inheritance: Autosomal recessive inheritance. Affected: yes.